The following is an entry in ClinVar:

NM_139027.6(ADAMTS13):c.1705+1G>A

Gene: ADAMTS13 (ADAM metallopeptidase with thrombospondin type 1 motif 13; plus strand). Cytogenetic location: 9q34.2.
Variant type: single nucleotide variant.
Coding change: c.1705+1G>A on transcript NM_139027.6 (MANE Select); the canonical splice donor site of the intron after coding-DNA position 1705, G replaced by A.
Molecular consequence: splice donor variant.
Genome position (GRCh38, 1-based): chr9:133,438,367, G>A. VCF-style: chr9-133438367-G-A. GRCh37 (hg19) VCF-style: chr9-136303487-G-A.
Other names: c.1705+1G>A (NM_139025.5); c.1612+1G>A (NM_139026.6).
Identifiers: ClinVar variation 2500705 (VCV002500705.5), dbSNP rs2491219604, ClinGen allele CA375394024.

ClinVar aggregate classification (germline): Likely pathogenic. Review status: criteria provided, multiple submitters, no conflicts (2 of 4 stars). 2 submissions from 2 submitters: Likely pathogenic (2). Last evaluated 2023-09-07.

Conditions:
Upshaw-Schulman syndrome (TTP). Also called: THROMBOTIC THROMBOCYTOPENIC PURPURA, HEREDITARY; Congenital thrombotic thrombocytopenic purpura. Identifiers: Orphanet 93583, MedGen C1268935, MONDO:0010122, OMIM 274150.

Submissions (2):

Labcorp Genetics (formerly Invitae), Labcorp
Classification: Likely pathogenic. Last evaluated: 2023-09-07. Review status: criteria provided, single submitter. Criteria: Invitae Variant Classification Sherloc (09022015). Collection method: clinical testing. Allele origin: germline.
Comment: This sequence change affects a donor splice site in intron 14 of the ADAMTS13 gene. It is expected to disrupt RNA splicing. Variants that disrupt the donor or acceptor splice site typically lead to a loss of protein function (PMID: 16199547), and loss-of-function variants in ADAMTS13 are known to be pathogenic (PMID: 11586351, 12753286, 21781265). This variant is not present in population databases (gnomAD no frequency). This variant has not been reported in the literature in individuals affected with ADAMTS13-related conditions. ClinVar contains an entry for this variant (Variation ID: 2500705). Algorithms developed to predict the effect of sequence changes on RNA splicing suggest that this variant may disrupt the consensus splice site. In summary, the currently available evidence indicates that the variant is pathogenic, but additional data are needed to prove that conclusively. Therefore, this variant has been classified as Likely Pathogenic.

Victorian Clinical Genetics Services, Murdoch Childrens Research Institute
Classification: Likely pathogenic for Upshaw-Schulman syndrome. Last evaluated: 2021-05-06. Review status: criteria provided, single submitter. Criteria: ACMG Guidelines, 2015. Collection method: clinical testing. Allele origin: germline. Inheritance: Autosomal recessive inheritance. Affected: yes.
Comment: Based on the classification scheme VCGS_Germline_v1.3.4, this variant is classified as Likely Pathogenic. Following criteria are met: 0102 - Loss of function is a known mechanism of disease in this gene and is associated with thrombotic thrombocytopenic purpura, hereditary (MIM#274150). (I) 0106 - This gene is associated with autosomal recessive disease. (I) 0211 - Canonical splice site variant without proven consequence on splicing (no functional evidence available). (SP) 0251 - This variant is heterozygous. (I) 0301 - Variant is absent from gnomAD (both v2 and v3). (SP) 0505 - Abnormal splicing is predicted by in silico tools and affected nucleotide is highly conserved. (SP) 0705 - No comparable canonical splice site variants have previous evidence for pathogenicity. (I) 0807 - This variant has no previous evidence of pathogenicity. (I) 0905 - No published segregation evidence has been identified for this variant. (I) 1007 - No published functional evidence has been identified for this variant. (I) 1201 - Heterozygous variant detected in trans with a second pathogenic heterozygous variant (NM_139025.4(ADAMTS13):c.1169G>A; p.(Trp390*)) in a recessive disease. (I) Legend: (SP) - Supporting pathogenic, (I) - Information, (SB) - Supporting benign

Literature cited by the submitters: PubMed 16199547 (cited by Labcorp Genetics (formerly Invitae), Labcorp); PubMed 11586351 (cited by Labcorp Genetics (formerly Invitae), Labcorp); PubMed 12753286 (cited by Labcorp Genetics (formerly Invitae), Labcorp); PubMed 21781265 (cited by Labcorp Genetics (formerly Invitae), Labcorp).